The following is an entry in ClinVar:

ClinVar aggregate classification (germline): Conflicting classifications of pathogenicity. Review status: criteria provided, conflicting classifications (1 of 4 stars). 13 submissions from 13 submitters: Uncertain significance (5); Benign (1); Likely benign (5). 2 of the submissions do not count toward it. Last evaluated 2026-01-25.

Conditions:
Familial adenomatous polyposis 1 (FAP1). Also called: FAMILIAL ADENOMATOUS POLYPOSIS 1, ATTENUATED; POLYPOSIS, ADENOMATOUS INTESTINAL. Identifiers: MedGen C2713442, MONDO:0021056, OMIM 175100. Disease mechanism: loss of function.
Hereditary cancer-predisposing syndrome. Also called: Tumor predisposition; Hereditary neoplastic syndrome; Neoplastic Syndromes, Hereditary; Hereditary Cancer Syndrome. Identifiers: Orphanet 140162, MedGen C0027672, MeSH D009386, MONDO:0015356.

Allele frequency attached by ClinVar (database versions not stated): ExAC 0.00006; gnomAD exomes 0.00009 and 0.00011; gnomAD 0.00011; TOPMed 0.00012.
gnomAD v4.1: 145 of 1,613,724 alleles (0.009%); highest among the groups gnomAD compares: African/African-American, 0.013%; no homozygotes.

Submissions (13):

Labcorp Genetics (formerly Invitae), Labcorp
Classification: Benign for Familial adenomatous polyposis 1. Last evaluated: 2026-01-25. Review status: criteria provided, single submitter. Criteria: Invitae Variant Classification Sherloc (09022015). Collection method: clinical testing. Allele origin: germline.

Quest Diagnostics Nichols Institute San Juan Capistrano
Classification: Likely benign. Last evaluated: 2025-03-07. Review status: criteria provided, single submitter. Criteria: Quest Diagnostics criteria. Collection method: clinical testing. Allele origin: unknown.

Center for Genomic Medicine, Rigshospitalet, Copenhagen University Hospital
Classification: Likely benign. Last evaluated: 2025-03-04. Review status: criteria provided, single submitter. Criteria: ACMG Guidelines, 2015. Collection method: clinical testing. Allele origin: germline.

St. Jude Molecular Pathology, St. Jude Children's Research Hospital
Classification: Uncertain significance for Familial adenomatous polyposis 1. Last evaluated: 2025-02-05. Review status: criteria provided, single submitter. Criteria: St. Jude Assertion Criteria 2020. Collection method: clinical testing. Allele origin: germline.
Comment: The APC c.7621A>G (p.Ile2541Val) missense change has a maximum subpopulation frequency of 0.02% in gnomAD v2.1.1. The in silico tool REVEL is inconclusive about a pathogenic or benign effect of this variant on protein function, and to our knowledge functional studies have not been performed. This variant has been reported in an individual with colorectal adenomas (PMID: 18199528). In summary, the evidence currently available is insufficient to determine the clinical significance of this variant. It has therefore been classified as of uncertain significance.

Color Diagnostics, LLC DBA Color Health
Classification: Likely benign for Hereditary cancer-predisposing syndrome. Last evaluated: 2024-09-18. Review status: criteria provided, single submitter. Criteria: ACMG Guidelines, 2015. Collection method: clinical testing. Allele origin: germline.

Women's Health and Genetics/Laboratory Corporation of America, LabCorp
Classification: Likely benign. Last evaluated: 2024-06-28. Review status: criteria provided, single submitter. Criteria: LabCorp Variant Classification Summary - May 2015. Collection method: clinical testing. Allele origin: germline.
Comment: Variant summary: APC c.7621A>G (p.Ile2541Val) results in a conservative amino acid change located in the basic domain (IPR009234) of the encoded protein sequence. Four of five in-silico tools predict a benign effect of the variant on protein function. The variant allele was found at a frequency of 0.00011 in 252814 control chromosomes (gnomAD). The observed variant frequency is approximately 1.5-fold of the estimated maximal expected allele frequency for a pathogenic variant in APC causing Familial Adenomatous Polyposis phenotype (7.1e-05). c.7621A>G has been reported in the literature in individuals affected with Familial Adenomatous Polyposis (Azzopardi_2008), however no supportive evidence was provided for causality, in addition, the variant has also been reported in healthy controls (Bodian_2014). These reports do not provide unequivocal conclusions about association of the variant with Familial Adenomatous Polyposis. To our knowledge, no experimental evidence demonstrating an impact on protein function has been reported. The following publications have been ascertained in the context of this evaluation (PMID: 24728327, 18199528, 24599579, NO_PMID, 25882375). ClinVar contains an entry for this variant (Variation ID: 133514). Based on the evidence outlined above, the variant was classified as likely benign.

GeneDx
Classification: Uncertain significance. Last evaluated: 2023-10-19. Review status: criteria provided, single submitter. Criteria: GeneDx Variant Classification Process June 2021. Collection method: clinical testing. Allele origin: germline. Affected: yes.
Comment: In silico analysis supports that this missense variant does not alter protein structure/function; Observed in an individual with multiple colorectal adenomas (Azzopardi et al., 2008); This variant is associated with the following publications: (PMID: 26373574, 21859464, 24728327, 24599579, 30836094, 34378333, 18199528)

Sema4
Classification: Uncertain significance for Hereditary cancer-predisposing syndrome. Last evaluated: 2021-10-29. Review status: criteria provided, single submitter. Criteria: Sema4 Curation Guidelines. Collection method: curation. Allele origin: germline.
Comment: The APC c.7621A>G (p.I2541V) variant has been reported in at least one individual with colorectal adenomas (PMID: 18199528). It was observed in 6/30614 chromosomes of the South Asian subpopulation in the large and broad cohorts of the Genome Aggregation Database (PMID: 32461654). The variant has been reported in ClinVar (Variation ID 133514). Functional studies have not been performed, and in silico predictions of the variant's effect on protein function are inconclusive. The evidence is insufficient to meet ACMG/AMP criteria for classifying the variant as benign or pathogenic. Thus, the clinical significance of this variant is currently uncertain.

Laboratory for Molecular Medicine, Mass General Brigham Personalized Medicine
Classification: Uncertain significance. Last evaluated: 2021-10-06. Review status: criteria provided, single submitter. Criteria: ACMG Guidelines, 2015. Collection method: clinical testing. Allele origin: germline.
Comment: The p.Ile2541Val variant in APC has been reported in 1 individual with multiple colorectal adenomas (Azzopardi 2008 PMID: 18199528), but has also been identified in a healthy adult (Bodian 2014 PMID: 24728327) and in 0.02% (6/30614) of South Asian chromosomes by gnomAD. Isoleucine (Ile) at position 2541 is not well conserved: Four mammals (Chinese tree shrew, rabbit, pika, and star-nosed mole) carry a valine (Val) at this position despite high nearby amino acid conservation, suggesting that this change may be tolerated. Finally, this variant has been reported in ClinVar with conflicting interpretations (Likely Benign and Variant of Uncertain Significance; Variation ID# 133514). In summary, while the clinical significance of the p.Ile2541Val variant is uncertain, these data suggest that it is more likely to be benign. The ACMG/AMP Criteria applied: BP4.

Ambry Genetics
Classification: Likely benign for Hereditary cancer-predisposing syndrome. Last evaluated: 2018-11-08. Review status: criteria provided, single submitter. Criteria: Ambry Variant Classification Scheme 2023. Collection method: clinical testing. Allele origin: germline.

PreventionGenetics, part of Exact Sciences
Classification: Uncertain significance. Last evaluated: 2017-10-05. Review status: criteria provided, single submitter. Criteria: ACMG Guidelines, 2015. Collection method: clinical testing. Allele origin: germline.

ITMI
No classification provided. Condition: AllHighlyPenetrant. Last evaluated: 2013-09-19. Review status: no classification provided. Collection method: reference population. Allele origin: germline. Not counted in ClinVar's aggregate classification.
Comment: Please see associated publication for description of ethnicities

Department of Pathology and Laboratory Medicine, Sinai Health System
Classification: Uncertain significance. Review status: no assertion criteria provided. Collection method: clinical testing. Allele origin: unknown. Affected: yes. Study: The Canadian Open Genetics Repository (COGR). Not counted in ClinVar's aggregate classification.
Comment: The APC p.Ile2541Val variant was identified in 1 of 1382 proband chromosomes (frequency: 0.0007) from individuals or families with colorectal adenomas and was present in 1 of 3300 control chromosomes (frequency: 0.0003) from healthy individuals (Azzopardi 2008, Bodian 2014). The variant was also identified in dbSNP (ID: rs587778033) as "With Uncertain significance allele", ClinVar (classified as likely benign by Color and Ambry Genetics; as uncertain significance by Invitae, GeneDx and three other submitters), and UMD-LSDB (2x as neutral). The variant was not identified in LOVD 3.0 . The variant was identified in control databases in 26 of 276400 chromosomes at a frequency of 0.00009 increasing the likelihood this could be a low frequency benign variant (Genome Aggregation Database Feb 27, 2017). The variant was observed in the following populations: African in 3 of 24028 chromosomes (freq: 0.0001), Other in 1 of 6448 chromosomes (freq: 0.0002), Latino in 2 of 34396 chromosomes (freq: 0.00006), European in 13 of 125980 chromosomes (freq: 0.0001), Ashkenazi Jewish in 1 of 10126 chromosomes (freq: 0.0001), and South Asian in 6 of 30780 chromosomes (freq: 0.0002), while the variant was not observed in the East Asian, and European , populations. The p.Ile2541 residue is not conserved in mammals and computational analyses (PolyPhen-2, SIFT, AlignGVGD, BLOSUM, MutationTaster) do not suggest a high likelihood of impact to the protein; however, this information is not predictive enough to rule out pathogenicity. The variant occurs outside of the splicing consensus sequence and 2 of 4 in silico or computational prediction software programs (SpliceSiteFinder, MaxEntScan, NNSPLICE, GeneSplicer) predict a greater than 10% difference in splicing; this is not very predictive of pathogenicity. In summary, based on the above information the clinical significance of this variant cannot be determined with certainty at this time. This variant is classified as a variant of uncertain significance.

Literature cited by the submitters: PubMed 18199528 (cited by 6 submitters); PubMed 24728327 (cited by 5 submitters); PubMed 24599579 (cited by 5 submitters); PubMed 21859464 (cited by 4 submitters); PubMed 25882375 (cited by Quest Diagnostics Nichols Institute San Juan Capistrano and Women's Health and Genetics/Laboratory Corporation of America, LabCorp); PubMed 26373574 (cited by Laboratory for Molecular Medicine, Mass General Brigham Personalized Medicine).

NM_000038.6(APC):c.7621A>G (p.Ile2541Val)

Gene: APC (APC regulator of Wnt signaling pathway; plus strand). Cytogenetic location: 5q22.2.
Variant type: single nucleotide variant.
Coding change: c.7621A>G on transcript NM_000038.6 (MANE Select); coding-DNA position 7621, A replaced by G.
Protein change: p.Ile2541Val; replaces isoleucine 2541 with valine.
Molecular consequence: missense variant.
Genome position (GRCh38, 1-based): chr5:112,843,215, A>G. VCF-style: chr5-112843215-A-G. GRCh37 (hg19) VCF-style: chr5-112178912-A-G.
Other names: p.I2541V:ATC>GTC; c.7498A>G, p.Ile2500Val (NM_001354900.2); c.7444A>G, p.Ile2482Val (NM_001354901.2); c.7348A>G, p.Ile2450Val (NM_001354902.2); c.7318A>G, p.Ile2440Val (NM_001354903.2); c.7243A>G, p.Ile2415Val (NM_001354904.2); c.7141A>G, p.Ile2381Val (NM_001354905.2); c.6772A>G, p.Ile2258Val (NM_001354906.2); and 6 more; short protein forms I2523V, I2541V, I2258V, I2381V, I2450V, I2559V, I2415V, I2482V.
Identifiers: ClinVar variation 133514 (VCV000133514.40), dbSNP rs587778033, ClinGen allele CA013946.